The following is an entry in ClinVar:

ClinVar aggregate classification (germline): Likely pathogenic (1 of 4 stars; one submission).

Conditions:
Mucopolysaccharidosis, MPS-IV-A (MPS4A). Also called: Morquio syndrome A, mild; MORQUIO SYNDROME A; GALACTOSAMINE-6-SULFATASE DEFICIENCY; GALNS DEFICIENCY; MORQUIO A DISEASE; Mucopolysaccharidosis type IV A. Identifiers: Orphanet 309297, Orphanet 582, MedGen C0086651, MONDO:0009659, OMIM 253000.

gnomAD v4.1: 2 of 1,528,006 alleles (0.00013%); highest among the groups gnomAD compares: African/African-American, 0.0027%; no homozygotes.

Submission:

Laboratory of Inherited Metabolic Diseases, Research centre for medical genetics
Classification: Likely pathogenic for Mucopolysaccharidosis, MPS-IV-A. Last evaluated: 2025-01-26. Review status: criteria provided, single submitter. Criteria: ACMG Guidelines, 2015. Collection method: research. Allele origin: unknown. Affected: no.
Comment: Minigene assay demonstrated insertion of a 223 bp pseudoexon.

NM_000512.5(GALNS):c.121-149G>A

Gene: GALNS (galactosamine (N-acetyl)-6-sulfatase; minus strand). Cytogenetic location: 16q24.3.
Variant type: single nucleotide variant.
Coding change: c.121-149G>A on transcript NM_000512.5 (MANE Select); 149 bases into the intron before coding-DNA position 121, G replaced by A.
Molecular consequence: intron variant.
Genome position (GRCh38, 1-based): chr16:88,842,978, C>T on the plus strand (G>A on the coding strand, the complement: GALNS is on the minus strand). VCF-style: chr16-88842978-C-T. GRCh37 (hg19) VCF-style: chr16-88909386-C-T.
Other names: c.-311-1007G>A (NM_001323543.2); c.138+52G>A (NM_001323544.2).
Identifiers: ClinVar variation 3600990 (VCV003600990.1).